The following is an entry in ClinVar:

ClinVar aggregate classification (germline): Uncertain significance (1 of 4 stars; one submission).

Allele frequency attached by ClinVar (database versions not stated): gnomAD exomes below 0.00001.
gnomAD v4.1: 1 of 1,614,144 alleles (0.000062%); highest among the groups gnomAD compares: South Asian, 0.0011%; no homozygotes.

Submission:

Ambry Genetics
Classification: Uncertain significance. Last evaluated: 2023-04-05. Review status: criteria provided, single submitter. Criteria: Ambry Variant Classification Scheme 2023. Collection method: clinical testing. Allele origin: germline.
Comment: The p.C794R variant (also known as c.2380T>C), located in coding exon 15 of the POLQ gene, results from a T to C substitution at nucleotide position 2380. The cysteine at codon 794 is replaced by arginine, an amino acid with highly dissimilar properties. This amino acid position is conserved. In addition, the in silico prediction for this alteration is inconclusive. Since supporting evidence is limited at this time, the clinical significance of this alteration remains unclear.

NM_199420.4(POLQ):c.2380T>C (p.Cys794Arg)

Gene: POLQ (DNA polymerase theta; minus strand). Cytogenetic location: 3q13.33.
Variant type: single nucleotide variant.
Coding change: c.2380T>C on transcript NM_199420.4 (MANE Select); coding-DNA position 2380, T replaced by C.
Protein change: p.Cys794Arg; replaces cysteine 794 with arginine.
Molecular consequence: missense variant.
Genome position (GRCh38, 1-based): chr3:121,493,620, A>G on the plus strand (T>C on the coding strand, the complement: POLQ is on the minus strand). VCF-style: chr3-121493620-A-G. GRCh37 (hg19) VCF-style: chr3-121212467-A-G.
Other names: short protein forms C794R.
Identifiers: ClinVar variation 2563784 (VCV002563784.2), dbSNP rs2048089811, ClinGen allele CA354108002.
Genomic context (GRCh38, chr3:121,493,620, plus strand): 5'-CAGAAGCATAGAGAACCCTGGCTCTCTGAGCATTTAGTAAGGATACCCGAACCAGGTCAC[A>G]CAGCTCCCTCTGGATGCCAAACGTAAGACGCTTCTGAAATTGGGAAAGTAGTAGTTCCAT-3'
Protein context (NP_955452.3, residues 784-804): RLTFGIQREL[Cys794Arg]DLVRVSLLNA